The following is an entry in ClinVar:

NM_004064.5(CDKN1B):c.225G>T (p.Glu75Asp)

Gene: CDKN1B (cyclin dependent kinase inhibitor 1B; plus strand). Cytogenetic location: 12p13.1.
Variant type: single nucleotide variant.
Coding change: c.225G>T on transcript NM_004064.5 (MANE Select); coding-DNA position 225, G replaced by T.
Protein change: p.Glu75Asp; replaces glutamic acid 75 with aspartic acid.
Molecular consequence: missense variant.
Genome position (GRCh38, 1-based): chr12:12,718,064, G>T. VCF-style: chr12-12718064-G-T. GRCh37 (hg19) VCF-style: chr12-12870998-G-T.
Other names: short protein forms E75D.
Identifiers: ClinVar variation 3223675 (VCV003223675.1), dbSNP rs139727620, ClinGen allele CA383969623.

ClinVar aggregate classification (germline): Uncertain significance (1 of 4 stars; one submission).

Conditions:
Hereditary cancer-predisposing syndrome. Also called: Tumor predisposition; Hereditary neoplastic syndrome; Hereditary Cancer Syndrome; Neoplastic Syndromes, Hereditary. Identifiers: Orphanet 140162, MedGen C0027672, MeSH D009386, MONDO:0015356.

Submission:

Ambry Genetics
Classification: Uncertain significance for Hereditary cancer-predisposing syndrome. Last evaluated: 2024-02-28. Review status: criteria provided, single submitter. Criteria: Ambry Variant Classification Scheme 2023. Collection method: clinical testing. Allele origin: germline.
Comment: The p.E75D variant (also known as c.225G>T), located in coding exon 1 of the CDKN1B gene, results from a G to T substitution at nucleotide position 225. The glutamic acid at codon 75 is replaced by aspartic acid, an amino acid with highly similar properties. This amino acid position is well conserved in available vertebrate species. In addition, the in silico prediction for this alteration is inconclusive. Based on the available evidence, the clinical significance of this alteration remains unclear.